The following is an entry in ClinVar:

ClinVar aggregate classification (germline): Uncertain significance. Review status: criteria provided, multiple submitters, no conflicts (2 of 4 stars). 2 submissions from 2 submitters: Uncertain significance (2). Last evaluated 2025-05-05.

Allele frequency attached by ClinVar (database versions not stated): gnomAD exomes 0.00001; TOPMed 0.00001.
gnomAD v4.1: 6 of 1,614,210 alleles (0.00037%); highest among the groups gnomAD compares: Non-Finnish European, 0.00051%; no homozygotes.

Submissions (2):

Labcorp Genetics (formerly Invitae), Labcorp
Classification: Uncertain significance. Last evaluated: 2025-05-05. Review status: criteria provided, single submitter. Criteria: Invitae Variant Classification Sherloc (09022015). Collection method: clinical testing. Allele origin: germline.
Comment: This sequence change replaces glutamic acid, which is acidic and polar, with lysine, which is basic and polar, at codon 145 of the SRP72 protein (p.Glu145Lys). This variant is not present in population databases (gnomAD no frequency). This variant has not been reported in the literature in individuals affected with SRP72-related conditions. ClinVar contains an entry for this variant (Variation ID: 1063672). Invitae Evidence Modeling of protein sequence and biophysical properties (such as structural, functional, and spatial information, amino acid conservation, physicochemical variation, residue mobility, and thermodynamic stability) has been performed for this missense variant. However, the output from this modeling did not meet the statistical confidence thresholds required to predict the impact of this variant on SRP72 protein function. In summary, the available evidence is currently insufficient to determine the role of this variant in disease. Therefore, it has been classified as a Variant of Uncertain Significance.

Ambry Genetics
Classification: Uncertain significance. Last evaluated: 2025-04-12. Review status: criteria provided, single submitter. Criteria: Ambry Variant Classification Scheme 2023. Collection method: clinical testing. Allele origin: germline.
Comment: The p.E145K variant (also known as c.433G>A), located in coding exon 4 of the SRP72 gene, results from a G to A substitution at nucleotide position 433. The glutamic acid at codon 145 is replaced by lysine, an amino acid with similar properties. This amino acid position is conserved. In addition, the in silico prediction for this alteration is inconclusive. Based on the available evidence, the clinical significance of this variant remains unclear.

NM_006947.4(SRP72):c.433G>A (p.Glu145Lys)

Gene: SRP72 (signal recognition particle 72; plus strand). Cytogenetic location: 4q12.
Variant type: single nucleotide variant.
Coding change: c.433G>A on transcript NM_006947.4 (MANE Select); coding-DNA position 433, G replaced by A.
Protein change: p.Glu145Lys; replaces glutamic acid 145 with lysine.
Molecular consequence: missense variant. On other transcripts: non-coding transcript variant (1).
Genome position (GRCh38, 1-based): chr4:56,474,132, G>A. VCF-style: chr4-56474132-G-A. GRCh37 (hg19) VCF-style: chr4-57340298-G-A.
Other names: c.433G>A (NM_006947.3); c.433G>A, p.Glu145Lys (NM_001267722.2); short protein forms E145K.
Identifiers: ClinVar variation 1063672 (VCV001063672.10), dbSNP rs1057524146, ClinGen allele CA356996476.